The following is an entry in ClinVar:

NM_001365276.2(TNXB):c.9706G>T (p.Gly3236Cys)

Gene: TNXB (tenascin XB; minus strand). Cytogenetic location: 6p21.33.
Variant type: single nucleotide variant.
Coding change: c.9706G>T on transcript NM_001365276.2 (MANE Select); coding-DNA position 9706, G replaced by T.
Protein change: p.Gly3236Cys; replaces glycine 3236 with cysteine.
Molecular consequence: missense variant.
Genome position (GRCh38, 1-based): chr6:32,049,321, C>A on the plus strand (G>T on the coding strand, the complement: TNXB is on the minus strand). VCF-style: chr6-32049321-C-A. GRCh37 (hg19) VCF-style: chr6-32017098-C-A.
Other names: c.10447G>T, p.Gly3483Cys (NM_001428335.1); c.9700G>T, p.Gly3234Cys (NM_019105.8); short protein forms G3236C, G3483C, G3234C.
Identifiers: ClinVar variation 3459733 (VCV003459733.1).

ClinVar aggregate classification (germline): Uncertain significance (1 of 4 stars; one submission).

Conditions:
Cardiovascular phenotype. Identifiers: MedGen CN230736.

Submission:

Ambry Genetics
Classification: Uncertain significance for Cardiovascular phenotype. Last evaluated: 2024-07-24. Review status: criteria provided, single submitter. Criteria: Ambry Variant Classification Scheme 2023. Collection method: clinical testing. Allele origin: germline.
Comment: The p.G3234C variant (also known as c.9700G>T), located in coding exon 27 of the TNXB gene, results from a G to T substitution at nucleotide position 9700. The glycine at codon 3234 is replaced by cysteine, an amino acid with highly dissimilar properties. This amino acid position is conserved. In addition, the in silico prediction for this alteration is inconclusive. Based on the available evidence, the clinical significance of this variant remains unclear.